The following is an entry in ClinVar:

NM_007294.4(BRCA1):c.4988T>A (p.Met1663Lys)

Gene: BRCA1 (BRCA1 DNA repair associated; minus strand). Cytogenetic location: 17q21.31.
Variant type: single nucleotide variant.
Coding change: c.4988T>A on transcript NM_007294.4 (MANE Select); coding-DNA position 4988, T replaced by A.
Protein change: p.Met1663Lys; replaces methionine 1663 with lysine.
Molecular consequence: missense variant. On other transcripts: non-coding transcript variant (1).
Genome position (GRCh38, 1-based): chr17:43,067,694, A>T on the plus strand (T>A on the coding strand, the complement: BRCA1 is on the minus strand). VCF-style: chr17-43067694-A-T. GRCh37 (hg19) VCF-style: chr17-41219711-A-T.
Other names: p.M1663K:ATG>AAG; 5107T>A; c.4982T>A, p.Met1661Lys (NM_001407631.1, NM_001407632.1, NM_001407642.1 and 14 more transcripts); c.4859T>A, p.Met1620Lys (NM_001407683.1, NM_001407685.1, NM_001407686.1 and 6 more transcripts); c.4988T>A, p.Met1663Lys (NM_001407684.1, NM_001407596.1, NM_001407597.1 and 8 more transcripts); c.4856T>A, p.Met1619Lys (NM_001407690.1, NM_001407691.1); c.4847T>A, p.Met1616Lys (NM_001407692.1, NM_001407728.1, NM_001407729.1 and 13 more transcripts); c.4844T>A, p.Met1615Lys (NM_001407747.1, NM_001407748.1, NM_001407749.1 and 21 more transcripts); and 72 more; short protein forms M1663K, M559K, M1684K, M1616K, M1536K, M1574K, M1575K, M1592K.
Identifiers: ClinVar variation 55349 (VCV000055349.40), dbSNP rs80357205, ClinGen allele CA003140.
Genomic context (GRCh38, chr17:43,067,694, plus strand): 5'-TCTTCAGTAATTAGATTAGTTAAAGTGATGTGGTGTTTTCTGGCAAACTTGTACACGAGC[A>T]TCTGAAATTAAATCAAATATTCCATTATCATGAGTTACCTCTAGCACACAGCTCAGAATA-3'
Protein context (NP_009225.1, residues 1653-1673): VVSGLTPEEF[Met1663Lys]LVYKFARKHH

ClinVar aggregate classification (germline): Uncertain significance. Review status: criteria provided, multiple submitters, no conflicts (2 of 4 stars). 11 submissions from 11 submitters: Uncertain significance (7). 4 of the submissions do not count toward it. Last evaluated 2025-07-30.

Conditions:
BRCA1-related disorder. Also called: BRCA1-related condition.
Hereditary cancer-predisposing syndrome. Also called: Hereditary Cancer Syndrome; Hereditary neoplastic syndrome; Neoplastic Syndromes, Hereditary; Tumor predisposition. Identifiers: Orphanet 140162, MedGen C0027672, MeSH D009386, MONDO:0015356.
Hereditary breast ovarian cancer syndrome. Also called: BRCA1- and BRCA2-Associated Hereditary Breast and Ovarian Cancer; Hereditary breast and ovarian cancer syndrome; Hereditary breast and ovarian cancer syndrome (HBOC); Breast and ovarian cancer; Hereditary breast and/or ovarian cancer syndrome; Hereditary breast and ovarian cancer. Identifiers: Orphanet 145, MedGen C0677776, MeSH D061325, MONDO:0003582. Disease mechanism: loss of function.
Breast-ovarian cancer, familial, susceptibility to, 1 (BROVCA1). Also called: BRCA1 Hereditary Breast and Ovarian Cancer; OVARIAN CANCER, SUSCEPTIBILITY TO. Identifiers: Orphanet 145, MedGen C2676676, MONDO:0011450, OMIM 604370. Disease mechanism: loss of function.

Allele frequency attached by ClinVar (database versions not stated): TOPMed 0.00001; gnomAD exomes 0.00001.

Submissions 1 to 6 of 12:

Labcorp Genetics (formerly Invitae), Labcorp
Classification: Uncertain significance for Hereditary breast ovarian cancer syndrome. Last evaluated: 2025-07-30. Review status: criteria provided, single submitter. Criteria: Invitae Variant Classification Sherloc (09022015). Collection method: clinical testing. Allele origin: germline.
Comment: This sequence change replaces methionine, which is neutral and non-polar, with lysine, which is basic and polar, at codon 1663 of the BRCA1 protein (p.Met1663Lys). This variant is not present in population databases (gnomAD no frequency). This missense change has been observed in individual(s) with clinical features of BRCA1-related conditions (PMID: 10923033). ClinVar contains an entry for this variant (Variation ID: 55349). An algorithm developed to predict the effect of missense changes on protein structure and function (PolyPhen-2) suggests that this variant is likely to be tolerated. Experimental studies have shown that this missense change affects BRCA1 function (PMID: 30209399). Studies have shown that this missense change alters mRNA splicing and is expected to lead to the loss of protein expression (PMID: 25724305; internal data). In summary, the available evidence is currently insufficient to determine the role of this variant in disease. Therefore, it has been classified as a Variant of Uncertain Significance.

Ambry Genetics
Classification: Uncertain significance for Hereditary cancer-predisposing syndrome. Last evaluated: 2025-05-09. Review status: criteria provided, single submitter. Criteria: Ambry Variant Classification Scheme 2023. Collection method: clinical testing. Allele origin: germline.
Comment: The p.M1663K variant (also known as c.4988T>A), located in coding exon 15 of the BRCA1 gene, results from a T to A substitution at nucleotide position 4988. The methionine at codon 1663 is replaced by lysine, an amino acid with similar properties. Functional studies and in silico predictions have previously shown that the p.M1663K alteration had low or no functional effect on protein level (Karchin R et al PLoS Comput Biol. 2007;16:3(2):e26; Rowling PJE et al J. Biol. Chem. 2010; 285(26): 20080&ndash;20087; Lee MS et al. Cancer Res. 2010; 70:4880-4890). In silico splice site analysis predicts that this alteration may weaken the native splice acceptor site, and using an in vitro mini gene assay, Alhborn LB et al. showed that the c.4988T>A (p.M1663K) alteration results in exon 17 skipping that leads to predominant production of an out-of-frame transcript with weak residual wild-type transcript representing only 7% of the total (Alhborn LB et al Breast Cancer Res Treat. 2015; 150(2):289-98). However, additional RNA studies have demonstrated that this alteration does not result in abnormal splicing in the set of samples tested (Ambry internal data). Further, one functional study found that this nucleotide substitution is deleterious in a high throughput genome editing haploid cell survival assay (Findlay GM et al. Nature, 2018 10;562:217-222), and a study using both in vitro and in vivo functional analyses found that this alteration disrupts the ability of BRCT to dimerize (Wu Q et al. Mol. Cell, 2016 Feb;61:434-48). This amino acid position is not well conserved in available vertebrate species. Based on the available evidence, the clinical significance of this variant remains unclear.

Quest Diagnostics Nichols Institute San Juan Capistrano
Classification: Uncertain significance. Last evaluated: 2025-03-11. Review status: criteria provided, single submitter. Criteria: Quest Diagnostics criteria. Collection method: clinical testing. Allele origin: unknown.
Comment: The BRCA1 c.4988T>A (p.Met1663Lys) variant has been reported in the published literature in an individual with breast cancer (PMID: 33471991 (2021), see also LOVD). Assessment of experimental evidence regarding the effect of this variant on protein function is inconclusive (PMID: 30209399 (2018), 26778126 (2016), 25724305 (2015), 20516115 (2010), 20378548 (2010)). This variant has not been reported in large, multi-ethnic general populations (Genome Aggregation Database). Analysis of this variant using bioinformatics tools for the prediction of the effect of amino acid changes on protein structure and function yielded predictions that this variant is damaging. Additional analysis using software algorithms for the prediction of the effect of nucleotide changes on splicing yielded predictions that this variant may affect proper BRCA1 mRNA splicing. Based on the available information, we are unable to determine the clinical significance of this variant.

PreventionGenetics, part of Exact Sciences
Classification: Uncertain significance for BRCA1-related condition. Last evaluated: 2024-11-14. Review status: criteria provided, single submitter. Criteria: ACMG Guidelines, 2015. Collection method: clinical testing. Allele origin: germline.
Comment: The BRCA1 c.4988T>A variant is predicted to result in the amino acid substitution p.Met1663Lys. This variant was observed in the Breast Cancer Information Core (BIC) database (Szabo et al. 2000. PubMed ID: 10923033). This variant is interpreted as benign/uncertain in two studies of variant classification (Table S2, Findlay et al. 2018. PubMed ID: 30209399; Table 2, Judkins et al. 2005. PubMed ID: 16267036). This variant occurs within a region of the BRCA1 gene that is predicted to be a hot spot for missense variation (Table 2, Dines et al. 2020. PubMed ID: 31911673). However, functional studies suggest that p.Met1663Lys variant does not affect the stability of the protein and has low functional effect (Figure 2, Rowling et al. 2010. PubMed ID: 20378548; Table 2, Lee et al. 2010. PubMed ID: 20516115). RT-PCR analysis suggests this variant predominantly leads to exon 17 skipping (Figure 2B, Ahlborn et al. 2015. PubMed ID: 25724305). This variant has not been reported in gnomAD, indicating this variant is rare. In ClinVar, this variant is interpreted as uncertain. At this time, the clinical significance of this variant is uncertain due to the absence of conclusive functional and genetic evidence.

Color Diagnostics, LLC DBA Color Health
Classification: Uncertain significance for Hereditary cancer-predisposing syndrome. Last evaluated: 2024-04-30. Review status: criteria provided, single submitter. Criteria: ACMG Guidelines, 2015. Collection method: clinical testing. Allele origin: germline.
Comment: This missense variant replaces methionine with lysine at codon 1663 of the BRCA1 protein. Computational prediction is inconclusive regarding the impact of this variant on protein structure and function. Splice site prediction tools are inconclusive regarding the impact of this variant on RNA splicing. A minigene splicing assay reported the variant resulted in the skipping of exon 16 (BIC exon 17) (PMID: 25724305). Functional studies found conflicting results on the variant protein where it is reported to be normal in protease sensitivity, peptide binding and specificity and transcriptional activation assays (PMID: 20516115, 20378548) but abnormal in BRCT domain dimerization assays (PMID: 26778126) and in a haploid cell proliferation assay (PMID: 30209399). This variant has been detected in a breast cancer case-control meta-analysis in 1/60466 cases and 0/53461 unaffected individuals (PMID: 33471991; Leiden Open Variation Database DB-ID BRCA1_000361). This variant has not been identified in the general population by the Genome Aggregation Database (gnomAD). The available evidence is insufficient to determine the role of this variant in disease conclusively. Therefore, this variant is classified as a Variant of Uncertain Significance.

GeneDx
Classification: Uncertain significance. Last evaluated: 2024-01-02. Review status: criteria provided, single submitter. Criteria: GeneDx Variant Classification Process June 2021. Collection method: clinical testing. Allele origin: germline. Affected: yes.
Comment: Published functional studies demonstrate no damaging effect with respect to protein stability, protein folding, transcriptional activity, homology directed DNA repair, and phosphopeptide-binding activity (PMID: 20378548, 20516115, 35665744); In silico analysis is inconclusive as to whether the variant alters gene splicing; Not observed at significant frequency in large population cohorts (gnomAD); In silico analysis supports that this missense variant has a deleterious effect on protein structure/function; Also known as 5107T>A; This variant is associated with the following publications: (PMID: 17305420, 20516115, 20378548, 16267036, 26778126, 30209399, 35665744, 25348405, 25724305)